The following is an entry in ClinVar:

NM_001080449.3(DNA2):c.888G>A (p.Pro296=)

Gene: DNA2 (DNA replication helicase/nuclease 2; minus strand). Cytogenetic location: 10q21.3.
Variant type: single nucleotide variant.
Coding change: c.888G>A on transcript NM_001080449.3 (MANE Select); coding-DNA position 888, G replaced by A.
Protein change: p.Pro296=; no amino-acid change (proline 296 retained).
Molecular consequence: synonymous variant. On other transcripts: non-coding transcript variant (1).
Genome position (GRCh38, 1-based): chr10:68,450,079, C>T on the plus strand (G>A on the coding strand, the complement: DNA2 is on the minus strand). VCF-style: chr10-68450079-C-T. GRCh37 (hg19) VCF-style: chr10-70209836-C-T.
Other names: p.Pro296=.
Identifiers: ClinVar variation 381847 (VCV000381847.14), dbSNP rs16925390, ClinGen allele CA5525189.

ClinVar aggregate classification (germline): Benign/Likely benign. Review status: criteria provided, multiple submitters, no conflicts (2 of 4 stars). 5 submissions from 5 submitters: Benign (4); Likely benign (1). Last evaluated 2026-01-27.

Conditions:
Mitochondrial DNA deletion syndrome with progressive myopathy. Also called: Progressive external ophthalmoplegia with mitochondrial DNA deletions, autosomal dominant 6; PROGRESSIVE EXTERNAL OPHTHALMOPLEGIA, AUTOSOMAL DOMINANT 6. Identifiers: Orphanet 352470, MedGen C3554599, MONDO:0014062, OMIM 615156.
Seckel syndrome 8 (SCKL8). Identifiers: Orphanet 808, MedGen C3891452, MONDO:0014350, OMIM 615807.

Allele frequency attached by ClinVar (database versions not stated): gnomAD exomes 0.00123 and 0.00294; ExAC 0.00628; gnomAD 0.01158 and 0.01237; 1000 Genomes Project 0.01298; 1000 Genomes Project 30x 0.01312; ESP Exome Variant Server 0.01322; TOPMed 0.01351.
gnomAD v4.1: 3,629 of 1,601,790 alleles (0.23%); highest among the groups gnomAD compares: African/African-American, 4.1%; 66 homozygotes.

Submissions (5):

Labcorp Genetics (formerly Invitae), Labcorp
Classification: Benign. Last evaluated: 2026-01-27. Review status: criteria provided, single submitter. Criteria: Invitae Variant Classification Sherloc (09022015). Collection method: clinical testing. Allele origin: germline.

Mayo Clinic Laboratories, Mayo Clinic
Classification: Benign. Last evaluated: 2024-12-26. Review status: criteria provided, single submitter. Criteria: ACMG Guidelines, 2015. Collection method: clinical testing. Allele origin: germline. Observed: 16 variant alleles.
Comment: BA1, BP4, BP7

Fulgent Genetics
Classification: Likely benign for Mitochondrial DNA deletion syndrome with progressive myopathy; Seckel syndrome 8. Last evaluated: 2021-09-27. Review status: criteria provided, single submitter. Criteria: ACMG Guidelines, 2015. Collection method: clinical testing. Allele origin: unknown.

GeneDx
Classification: Benign. Last evaluated: 2016-03-01. Review status: criteria provided, single submitter. Criteria: GeneDx Variant Classification (06012015). Collection method: clinical testing. Allele origin: germline. Affected: yes.
Comment: This variant is considered likely benign or benign based on one or more of the following criteria: it is a conservative change, it occurs at a poorly conserved position in the protein, it is predicted to be benign by multiple in silico algorithms, and/or has population frequency not consistent with disease.

Breakthrough Genomics
Classification: Benign. Review status: criteria provided, single submitter. Criteria: ACMG Guidelines, 2015. Collection method: not provided. Allele origin: germline. Inheritance: Autosomal recessive inheritance. Affected: yes.